The following is an entry in ClinVar:

ClinVar aggregate classification (germline): Uncertain significance (1 of 4 stars; one submission).

Conditions:
Galactosylceramide beta-galactosidase deficiency. Also called: GALACTOCEREBROSIDASE DEFICIENCY; GALC DEFICIENCY; GLOBOID CELL LEUKOENCEPHALOPATHY; Krabbe Disease; Leukodystrophy, Globoid Cell. Identifiers: Orphanet 487, MedGen C0023521, MONDO:0009499, OMIM 245200.

Allele frequency attached by ClinVar (database versions not stated): gnomAD 0.00001; gnomAD exomes 0.00001; ExAC 0.00002; TOPMed 0.00004; 1000 Genomes Project 30x 0.00016; 1000 Genomes Project 0.00020.
gnomAD v4.1: 12 of 1,613,722 alleles (0.00074%); highest among the groups gnomAD compares: African/African-American, 0.0093%; no homozygotes.

Submission:

Labcorp Genetics (formerly Invitae), Labcorp
Classification: Uncertain significance for Galactosylceramide beta-galactosidase deficiency. Last evaluated: 2024-10-17. Review status: criteria provided, single submitter. Criteria: Invitae Variant Classification Sherloc (09022015). Collection method: clinical testing. Allele origin: germline.
Comment: This sequence change replaces glutamic acid, which is acidic and polar, with aspartic acid, which is acidic and polar, at codon 231 of the GALC protein (p.Glu231Asp). This variant is present in population databases (rs573698381, gnomAD 0.007%). This variant has not been reported in the literature in individuals affected with GALC-related conditions. ClinVar contains an entry for this variant (Variation ID: 2199603). Invitae Evidence Modeling of protein sequence and biophysical properties (such as structural, functional, and spatial information, amino acid conservation, physicochemical variation, residue mobility, and thermodynamic stability) indicates that this missense variant is not expected to disrupt GALC protein function with a negative predictive value of 95%. In summary, the available evidence is currently insufficient to determine the role of this variant in disease. Therefore, it has been classified as a Variant of Uncertain Significance.

NM_000153.4(GALC):c.693G>T (p.Glu231Asp)

Gene: GALC (galactosylceramidase; minus strand). Cytogenetic location: 14q31.3.
Variant type: single nucleotide variant.
Coding change: c.693G>T on transcript NM_000153.4 (MANE Select); coding-DNA position 693, G replaced by T.
Protein change: p.Glu231Asp; replaces glutamic acid 231 with aspartic acid.
Molecular consequence: missense variant.
Genome position (GRCh38, 1-based): chr14:87,976,417, C>A on the plus strand (G>T on the coding strand, the complement: GALC is on the minus strand). VCF-style: chr14-87976417-C-A. GRCh37 (hg19) VCF-style: chr14-88442761-C-A.
Other names: c.624G>T, p.Glu208Asp (NM_001201401.2); c.615G>T, p.Glu205Asp (NM_001201402.2); short protein forms E205D, E208D, E231D.
Identifiers: ClinVar variation 2199603 (VCV002199603.3), dbSNP rs573698381, ClinGen allele CA7297276.